The following is an entry in ClinVar:

ClinVar aggregate classification (germline): Uncertain significance. Review status: criteria provided, multiple submitters, no conflicts (2 of 4 stars). 3 submissions from 3 submitters: Uncertain significance (2). 1 of the submissions does not count toward it. Last evaluated 2025-04-15.

Conditions:
Microcephaly, normal intelligence and immunodeficiency (NBS). Also called: Microcephaly with normal intelligence immunodeficiency and lymphoreticular malignancies; Nonsyndromal microcephaly autosomal recessive with normal intelligence; Seemanova syndrome 2; Immunodeficiency, microcephaly with normal intelligence; SEEMANOVA SYNDROME II; IMMUNODEFICIENCY, MICROCEPHALY, AND CHROMOSOMAL INSTABILITY. Identifiers: Orphanet 647, MedGen C0398791, MONDO:0009623, OMIM 251260.
Hereditary cancer-predisposing syndrome. Also called: Neoplastic Syndromes, Hereditary; Hereditary neoplastic syndrome; Tumor predisposition; Hereditary Cancer Syndrome. Identifiers: Orphanet 140162, MedGen C0027672, MeSH D009386, MONDO:0015356.

Submissions (3):

Ambry Genetics
Classification: Uncertain significance for Hereditary cancer-predisposing syndrome. Last evaluated: 2025-04-15. Review status: criteria provided, single submitter. Criteria: Ambry Variant Classification Scheme 2023. Collection method: clinical testing. Allele origin: germline.

Labcorp Genetics (formerly Invitae), Labcorp
Classification: Uncertain significance for Microcephaly, normal intelligence and immunodeficiency. Last evaluated: 2019-03-18. Review status: criteria provided, single submitter. Criteria: Invitae Variant Classification Sherloc (09022015). Collection method: clinical testing. Allele origin: germline.
Comment: In summary, the available evidence is currently insufficient to determine the role of this variant in disease. Therefore, it has been classified as a Variant of Uncertain Significance. Algorithms developed to predict the effect of missense changes on protein structure and function (SIFT, PolyPhen-2, Align-GVGD) all suggest that this variant is likely to be tolerated, but these predictions have not been confirmed by published functional studies and their clinical significance is uncertain. This variant has not been reported in the literature in individuals with NBN-related conditions. This variant is not present in population databases (ExAC no frequency). This sequence change replaces glutamic acid with lysine at codon 505 of the NBN protein (p.Glu505Lys). The glutamic acid residue is weakly conserved and there is a small physicochemical difference between glutamic acid and lysine.

Natera, Inc.
Classification: Uncertain significance for Nijmegen breakage syndrome. Last evaluated: 2020-11-20. Review status: no assertion criteria provided. Collection method: clinical testing. Allele origin: germline. Not counted in ClinVar's aggregate classification.

NM_002485.5(NBN):c.1513G>A (p.Glu505Lys)

Gene: NBN (nibrin; minus strand). Cytogenetic location: 8q21.3.
Variant type: single nucleotide variant.
Coding change: c.1513G>A on transcript NM_002485.5 (MANE Select); coding-DNA position 1513, G replaced by A.
Protein change: p.Glu505Lys; replaces glutamic acid 505 with lysine.
Molecular consequence: missense variant.
Genome position (GRCh38, 1-based): chr8:89,953,576, C>T on the plus strand (G>A on the coding strand, the complement: NBN is on the minus strand). VCF-style: chr8-89953576-C-T. GRCh37 (hg19) VCF-style: chr8-90965804-C-T.
Other names: c.1267G>A, p.Glu423Lys (NM_001024688.3); short protein forms E423K, E505K.
Identifiers: ClinVar variation 840526 (VCV000840526.14), dbSNP rs1810553632, ClinGen allele CA371655698.